The following is an entry in ClinVar:

NM_001563.4(IMPG1):c.985A>G (p.Lys329Glu)

Gene: IMPG1 (interphotoreceptor matrix proteoglycan 1; minus strand). Cytogenetic location: 6q14.1.
Variant type: single nucleotide variant.
Coding change: c.985A>G on transcript NM_001563.4 (MANE Select); coding-DNA position 985, A replaced by G.
Protein change: p.Lys329Glu; replaces lysine 329 with glutamic acid.
Molecular consequence: missense variant.
Genome position (GRCh38, 1-based): chr6:76,005,437, T>C on the plus strand (A>G on the coding strand, the complement: IMPG1 is on the minus strand). VCF-style: chr6-76005437-T-C. GRCh37 (hg19) VCF-style: chr6-76715154-T-C.
Other names: c.751A>G, p.Lys251Glu (NM_001282368.2); short protein forms K329E, K251E.
Identifiers: ClinVar variation 2038463 (VCV002038463.4), dbSNP rs1783078824, ClinGen allele CA364774353.

ClinVar aggregate classification (germline): Uncertain significance (1 of 4 stars; one submission).

Allele frequency attached by ClinVar (database versions not stated): gnomAD exomes below 0.00001; TOPMed below 0.00001.
gnomAD v4.1: 3 of 1,614,104 alleles (0.00019%); highest among the groups gnomAD compares: Non-Finnish European, 0.00025%; no homozygotes.

Submission:

Labcorp Genetics (formerly Invitae), Labcorp
Classification: Uncertain significance. Last evaluated: 2022-09-06. Review status: criteria provided, single submitter. Criteria: Invitae Variant Classification Sherloc (09022015). Collection method: clinical testing. Allele origin: germline.
Comment: This sequence change replaces lysine, which is basic and polar, with glutamic acid, which is acidic and polar, at codon 329 of the IMPG1 protein (p.Lys329Glu). This variant is not present in population databases (gnomAD no frequency). This variant has not been reported in the literature in individuals affected with IMPG1-related conditions. Algorithms developed to predict the effect of missense changes on protein structure and function output the following: SIFT: "Tolerated"; PolyPhen-2: "Probably Damaging"; Align-GVGD: "Class C0". The glutamic acid amino acid residue is found in multiple mammalian species, which suggests that this missense change does not adversely affect protein function. In summary, the available evidence is currently insufficient to determine the role of this variant in disease. Therefore, it has been classified as a Variant of Uncertain Significance.